The following is an entry in ClinVar:

NM_007294.4(BRCA1):c.171_172delinsTT (p.Pro58Ser)

Gene: BRCA1 (BRCA1 DNA repair associated; minus strand). Cytogenetic location: 17q21.31.
Variant type: Indel.
Coding change: c.171_172delinsTT on transcript NM_007294.4 (MANE Select); coding-DNA positions 171 to 172, GC replaced by TT.
Protein change: p.Pro58Ser; replaces proline 58 with serine.
Molecular consequence: missense variant. On other transcripts: 5 prime UTR variant (61), intron variant (34).
Genome position (GRCh38, 1-based): chr17:43,106,496-43,106,497, GC replaced by AA on the plus strand (GC replaced by TT on the coding strand, the reverse complement: BRCA1 is on the minus strand). VCF-style: chr17-43106496-GC-AA. GRCh37 (hg19) VCF-style: chr17-41258513-GC-AA.
Other names: c.171_172delinsTT, p.Pro58Ser (NM_001407590.1, NM_001407585.1, NM_001407582.1 and 167 more transcripts); c.30_31delinsTT, p.Pro11Ser (NM_001408458.1, NM_001408459.1, NM_001408460.1 and 99 more transcripts); c.-18_-17delinsTT (NM_001408478.1, NM_001408479.1, NM_001408480.1 and 58 more transcripts); c.171_172delGCinsTT, p.Pro58Ser (NM_007304.2); c.-218-11637_-218-11636delinsTT (NM_001407967.1, NM_001407966.1); c.-169-1541_-169-1540delinsTT (NM_001407959.1, NM_001407962.1, NM_001408512.1 and 4 more transcripts); c.81-1541_81-1540delinsTT (NM_001408451.1); c.135-1541_135-1540delinsTT (NM_001408475.1, NM_001407875.1, NM_001407659.1 and 21 more transcripts); short protein forms P11S, P58S.
Identifiers: ClinVar variation 3226108 (VCV003226108.1), dbSNP rs2552258523, ClinGen allele CA2825002527.
Genomic context (GRCh38, chr17:43,106,496, plus strand): 5'-ATCATTACCAAATTATATACCTTTTGGTTATATCATTCTTACATAAAGGACACTGTGAAG[GC>AA]CCTTTCTTCTGGTTGAGAAGTTTCAGCATGCAAAATCTATAAATTATAAAGAAAGAAAGA-3'
Protein context (NP_009225.1, residues 48-68): MLKLLNQKKG[Pro58Ser]SQCPLCKNDI

ClinVar aggregate classification (germline): Uncertain significance (1 of 4 stars; one submission).

Conditions:
Hereditary cancer-predisposing syndrome. Also called: Neoplastic Syndromes, Hereditary; Tumor predisposition; Hereditary neoplastic syndrome; Hereditary Cancer Syndrome. Identifiers: Orphanet 140162, MedGen C0027672, MeSH D009386, MONDO:0015356.

Submission:

Ambry Genetics
Classification: Uncertain significance for Hereditary cancer-predisposing syndrome. Last evaluated: 2023-10-06. Review status: criteria provided, single submitter. Criteria: Ambry Variant Classification Scheme 2023. Collection method: clinical testing. Allele origin: germline.
Comment: The c.171_172delGCinsTT variant (also known as p.P58S), located in coding exon 3 of the BRCA1 gene, results from an in-frame deletion of GC and insertion of TT at nucleotide positions 171 to 172. This results in the substitution of the proline residue for a serine residue at codon 58, an amino acid with similar properties. This amino acid position is well conserved in available vertebrate species. In addition, this alteration is predicted to be neutral by in silico analysis (Choi Y et al. PLoS ONE. 2012; 7(10):e46688). Since supporting evidence is limited at this time, the clinical significance of this alteration remains unclear.